The following is an entry in ClinVar:

NM_002474.3(MYH11):c.431G>T (p.Gly144Val)

Gene: MYH11 (myosin heavy chain 11; minus strand). Cytogenetic location: 16p13.11.
Variant type: single nucleotide variant.
Coding change: c.431G>T on transcript NM_002474.3 (MANE Select); coding-DNA position 431, G replaced by T.
Protein change: p.Gly144Val; replaces glycine 144 with valine.
Molecular consequence: missense variant.
Genome position (GRCh38, 1-based): chr16:15,823,326, C>A on the plus strand (G>T on the coding strand, the complement: MYH11 is on the minus strand). VCF-style: chr16-15823326-C-A. GRCh37 (hg19) VCF-style: chr16-15917183-C-A.
Other names: c.431G>T, p.Gly144Val (NM_001040113.2, NM_001040114.2, NM_022844.3); short protein forms G144V.
Identifiers: ClinVar variation 4114581 (VCV004114581.1).

ClinVar aggregate classification (germline): Uncertain significance (1 of 4 stars; one submission).

Conditions:
Familial thoracic aortic aneurysm and aortic dissection (TAAD). Also called: Thoracic aortic aneurysms and dissections. Identifiers: Orphanet 91387, MedGen C4707243, MONDO:0019625.

gnomAD v4.1: 1 of 1,614,190 alleles (0.000062%); highest among the groups gnomAD compares: African/African-American, 0.0013%; no homozygotes.

Submission:

Ambry Genetics
Classification: Uncertain significance for Familial thoracic aortic aneurysm and aortic dissection. Last evaluated: 2025-06-28. Review status: criteria provided, single submitter. Criteria: Ambry Variant Classification Scheme 2023. Collection method: clinical testing. Allele origin: germline.
Comment: The p.G144V variant (also known as c.431G>T), located in coding exon 2 of the MYH11 gene, results from a G to T substitution at nucleotide position 431. The glycine at codon 144 is replaced by valine, an amino acid with dissimilar properties. This amino acid position is conserved. In addition, this alteration is predicted to be deleterious by in silico analysis. Based on the available evidence, the clinical significance of this variant remains unclear.